The following is an entry in ClinVar:

ClinVar aggregate classification (germline): Uncertain significance (1 of 4 stars; one submission).

Conditions:
COG4-congenital disorder of glycosylation. Also called: CONGENITAL DISORDER OF GLYCOSYLATION, TYPE IIj; CDG IIj; COG4-CDG. Identifiers: Orphanet 263501, MedGen C4303552, MONDO:0013281, OMIM 613489.

Allele frequency attached by ClinVar (database versions not stated): gnomAD exomes below 0.00001 and 0.00001; ExAC 0.00002.
gnomAD v4.1: 3 of 1,606,958 alleles (0.00019%); highest among the groups gnomAD compares: Admixed American, 0.0033%; no homozygotes.

Submission:

Labcorp Genetics (formerly Invitae), Labcorp
Classification: Uncertain significance for COG4-congenital disorder of glycosylation. Last evaluated: 2020-12-17. Review status: criteria provided, single submitter. Criteria: Invitae Variant Classification Sherloc (09022015). Collection method: clinical testing. Allele origin: germline.
Comment: In summary, the available evidence is currently insufficient to determine the role of this variant in disease. Therefore, it has been classified as a Variant of Uncertain Significance. Algorithms developed to predict the effect of missense changes on protein structure and function (SIFT, PolyPhen-2, Align-GVGD) all suggest that this variant is likely to be tolerated, but these predictions have not been confirmed by published functional studies and their clinical significance is uncertain. This variant has not been reported in the literature in individuals with COG4-related conditions. This variant is present in population databases (rs759768980, ExAC 0.009%). This sequence change replaces glutamine with arginine at codon 401 of the COG4 protein (p.Gln401Arg). The glutamine residue is moderately conserved and there is a small physicochemical difference between glutamine and arginine.

NM_015386.3(COG4):c.1202A>G (p.Gln401Arg)

Gene: COG4 (component of oligomeric golgi complex 4; minus strand). Cytogenetic location: 16q22.1.
Variant type: single nucleotide variant.
Coding change: c.1202A>G on transcript NM_015386.3 (MANE Select); coding-DNA position 1202, A replaced by G.
Protein change: p.Gln401Arg; replaces glutamine 401 with arginine.
Molecular consequence: missense variant. On other transcripts: non-coding transcript variant (1).
Genome position (GRCh38, 1-based): chr16:70,498,049, T>C on the plus strand (A>G on the coding strand, the complement: COG4 is on the minus strand). VCF-style: chr16-70498049-T-C. GRCh37 (hg19) VCF-style: chr16-70531952-T-C.
Other names: c.1190A>G, p.Gln397Arg (NM_001195139.2); c.776A>G, p.Gln259Arg (NM_001365426.1); short protein forms Q401R, Q259R, Q397R.
Identifiers: ClinVar variation 1404625 (VCV001404625.8), dbSNP rs759768980, ClinGen allele CA8144388.